The following is an entry in ClinVar:

NM_014989.7(RIMS1):c.4435A>G (p.Arg1479Gly)

Gene: RIMS1 (regulating synaptic membrane exocytosis 1; plus strand). Cytogenetic location: 6q13.
Variant type: single nucleotide variant.
Coding change: c.4435A>G on transcript NM_014989.7 (MANE Select); coding-DNA position 4435, A replaced by G.
Protein change: p.Arg1479Gly; replaces arginine 1479 with glycine.
Molecular consequence: missense variant.
Genome position (GRCh38, 1-based): chr6:72,390,666, A>G. VCF-style: chr6-72390666-A-G. GRCh37 (hg19) VCF-style: chr6-73100368-A-G.
Other names: c.2170A>G, p.Arg724Gly (NM_001350444.2); c.1963A>G, p.Arg655Gly (NM_001350445.2); c.2581A>G, p.Arg861Gly (NM_001350446.2); c.2242A>G, p.Arg748Gly (NM_001350447.2); c.2398A>G, p.Arg800Gly (NM_001350448.2); c.1789A>G, p.Arg597Gly (NM_001350449.2); c.1738A>G, p.Arg580Gly (NM_001350450.2); c.2305A>G, p.Arg769Gly (NM_001350454.2); and 54 more; short protein forms R1479G, R523G, R588G, R628G, R668G, R694G, R710G, R719G.
Identifiers: ClinVar variation 3657657 (VCV003657657.2).

ClinVar aggregate classification (germline): Uncertain significance (1 of 4 stars; one submission).

Submission:

Labcorp Genetics (formerly Invitae), Labcorp
Classification: Uncertain significance. Last evaluated: 2024-06-24. Review status: criteria provided, single submitter. Criteria: Invitae Variant Classification Sherloc (09022015). Collection method: clinical testing. Allele origin: germline.
Comment: This sequence change replaces arginine, which is basic and polar, with glycine, which is neutral and non-polar, at codon 1479 of the RIMS1 protein (p.Arg1479Gly). This variant is not present in population databases (gnomAD no frequency). This variant has not been reported in the literature in individuals affected with RIMS1-related conditions. An algorithm developed to predict the effect of missense changes on protein structure and function (PolyPhen-2) suggests that this variant is likely to be disruptive. In summary, the available evidence is currently insufficient to determine the role of this variant in disease. Therefore, it has been classified as a Variant of Uncertain Significance.